The following is an entry in ClinVar:

ClinVar aggregate classification (germline): Pathogenic (1 of 4 stars; one submission).

Submission:

Labcorp Genetics (formerly Invitae), Labcorp
Classification: Pathogenic. Last evaluated: 2021-12-20. Review status: criteria provided, single submitter. Criteria: Invitae Variant Classification Sherloc (09022015). Collection method: clinical testing. Allele origin: germline.
Comment: Algorithms developed to predict the effect of sequence changes on RNA splicing suggest that this variant may create or strengthen a splice site. For these reasons, this variant has been classified as Pathogenic. This variant has not been reported in the literature in individuals affected with USH2A-related conditions. This variant is not present in population databases (gnomAD no frequency). This sequence change creates a premature translational stop signal (p.Gln2645*) in the USH2A gene. It is expected to result in an absent or disrupted protein product. Loss-of-function variants in USH2A are known to be pathogenic (PMID: 10729113, 10909849, 20507924, 25649381).

Literature cited by the submitters: PubMed 10729113; PubMed 10909849; PubMed 20507924; PubMed 25649381.

NM_206933.4(USH2A):c.7933C>T (p.Gln2645Ter)

Gene: USH2A (usherin; minus strand). Cytogenetic location: 1q41.
Variant type: single nucleotide variant.
Coding change: c.7933C>T on transcript NM_206933.4 (MANE Select); coding-DNA position 7933, C replaced by T.
Protein change: p.Gln2645Ter; replaces glutamine 2645 with a stop codon.
Molecular consequence: nonsense.
Genome position (GRCh38, 1-based): chr1:215,888,716, G>A on the plus strand (C>T on the coding strand, the complement: USH2A is on the minus strand). VCF-style: chr1-215888716-G-A. GRCh37 (hg19) VCF-style: chr1-216062058-G-A.
Other names: short protein forms Q2645*.
Identifiers: ClinVar variation 2050545 (VCV002050545.4), dbSNP rs1297827509, ClinGen allele CA344839423.
Genomic context (GRCh38, chr1:215,888,716, plus strand): 5'-CTTTGACTCTTCTCTCAATTGTGAAATTCTCCACCAAGCCATTGGGGTGGGTAGGGGGTT[G>A]CCAAGATATAATCACAGATGTTGGAGTATCAGAGAACAGCTCTGGACTTGGGATCCCTTC-3'